The following is an entry in ClinVar:

NM_004629.2(FANCG):c.1637-1G>A

Gene: FANCG (FA complementation group G; minus strand). Cytogenetic location: 9p13.3.
Variant type: single nucleotide variant.
Coding change: c.1637-1G>A on transcript NM_004629.2 (MANE Select); the canonical splice acceptor site of the intron before coding-DNA position 1637, G replaced by A.
Molecular consequence: splice acceptor variant.
Genome position (GRCh38, 1-based): chr9:35,074,495, C>T on the plus strand (G>A on the coding strand, the complement: FANCG is on the minus strand). VCF-style: chr9-35074495-C-T. GRCh37 (hg19) VCF-style: chr9-35074492-C-T.
Identifiers: ClinVar variation 2124571 (VCV002124571.4), dbSNP rs2131051986, ClinGen allele CA373301417.

ClinVar aggregate classification (germline): Likely pathogenic (1 of 4 stars; one submission).

Conditions:
Fanconi anemia (FA). Also called: Fanconi's anemia. Identifiers: Orphanet 84, MedGen C0015625, MeSH D005199, MONDO:0019391.

Submission:

Labcorp Genetics (formerly Invitae), Labcorp
Classification: Likely pathogenic for Fanconi anemia. Last evaluated: 2022-04-11. Review status: criteria provided, single submitter. Criteria: Invitae Variant Classification Sherloc (09022015). Collection method: clinical testing. Allele origin: germline.
Comment: This sequence change affects an acceptor splice site in intron 12 of the FANCG gene. It is expected to disrupt RNA splicing. Variants that disrupt the donor or acceptor splice site typically lead to a loss of protein function (PMID: 16199547), and loss-of-function variants in FANCG are known to be pathogenic (PMID: 12552564). This variant is not present in population databases (gnomAD no frequency). This variant has not been reported in the literature in individuals affected with FANCG-related conditions. Algorithms developed to predict the effect of sequence changes on RNA splicing suggest that this variant may disrupt the consensus splice site. In summary, the currently available evidence indicates that the variant is pathogenic, but additional data are needed to prove that conclusively. Therefore, this variant has been classified as Likely Pathogenic.

Literature cited by the submitters: PubMed 16199547; PubMed 12552564.